The following is an entry in ClinVar:

ClinVar aggregate classification (germline): Likely pathogenic (1 of 4 stars; one submission).

Conditions:
Neuronal ceroid lipofuscinosis 11. Also called: GRN-Related Neuronal Ceroid-Lipofuscinosis. Identifiers: Orphanet 314629, Orphanet 79262, MedGen C3539123, MONDO:0013866, OMIM 614706.
GRN-related frontotemporal lobar degeneration with Tdp43 inclusions (FTD2). Also called: DEMENTIA, HEREDITARY DYSPHASIC DISINHIBITION; FRONTOTEMPORAL LOBAR DEGENERATION WITH UBIQUITIN-POSITIVE INCLUSIONS; FTLD-TDP, GRN-RELATED; GRN Frontotemporal Dementia; FRONTOTEMPORAL DEMENTIA WITH TDP43 INCLUSIONS, GRN-RELATED. Identifiers: Orphanet 100070, Orphanet 282, MedGen C1843792, MONDO:0011842, OMIM 607485. Disease mechanism: loss of function.

Submission:

Labcorp Genetics (formerly Invitae), Labcorp
Classification: Likely pathogenic for Neuronal ceroid lipofuscinosis 11; GRN-related frontotemporal lobar degeneration with Tdp43 inclusions. Last evaluated: 2022-11-29. Review status: criteria provided, single submitter. Criteria: Invitae Variant Classification Sherloc (09022015). Collection method: clinical testing. Allele origin: germline.
Comment: This variant results in the deletion of part of exon 12 (c.1414-16_1590del) of the GRN gene. It is expected to disrupt RNA splicing. Variants that disrupt the donor or acceptor splice site typically lead to a loss of protein function (PMID: 16199547), and loss-of-function variants in GRN are known to be pathogenic (PMID: 16862116, 16950801, 22608501). This variant is not present in population databases (gnomAD no frequency). A similar variant has been observed in individual(s) with clinical features of GRN-related conditions (PMID: 17071927, 19158106). Algorithms developed to predict the effect of sequence changes on RNA splicing suggest that this variant may disrupt the consensus splice site. In summary, the currently available evidence indicates that the variant is pathogenic, but additional data are needed to prove that conclusively. Therefore, this variant has been classified as Likely Pathogenic.

Literature cited by the submitters: PubMed 16199547; PubMed 16862116; PubMed 16950801; PubMed 22608501; PubMed 17071927; PubMed 19158106.

NM_002087.4(GRN):c.1414-15_1591del

Gene: GRN (granulin precursor; plus strand). Cytogenetic location: 17q21.31.
Variant type: Deletion.
Coding change: c.1414-15_1591del on transcript NM_002087.4 (MANE Select); 15 bases into the intron before coding-DNA position 1414 through coding-DNA position 1591, 193 bases deleted.
Molecular consequence: splice acceptor variant.
Genome position (GRCh38, 1-based): chr17:44,352,326-44,352,518, 193 bases deleted. GRCh37 (hg19): chr17:42,429,694-42,429,886.
Identifiers: ClinVar variation 2419137 (VCV002419137.5), dbSNP rs63751698, ClinGen allele CA290926951.